The following is an entry in ClinVar:

NM_017841.4(SDHAF2):c.16G>A (p.Val6Met)

Gene: SDHAF2 (succinate dehydrogenase complex assembly factor 2; plus strand). Cytogenetic location: 11q12.2.
Variant type: single nucleotide variant.
Coding change: c.16G>A on transcript NM_017841.4 (MANE Select); coding-DNA position 16, G replaced by A.
Protein change: p.Val6Met; replaces valine 6 with methionine.
Molecular consequence: missense variant.
Genome position (GRCh38, 1-based): chr11:61,430,162, G>A. VCF-style: chr11-61430162-G-A. GRCh37 (hg19) VCF-style: chr11-61197634-G-A.
Other names: short protein forms V6M.
Identifiers: ClinVar variation 4547165 (VCV004547165.1).
Genomic context (GRCh38, chr11:61,430,162, plus strand): 5'-TCCCGGAAGTGCCCGCGCAGCCGGTTTCCGGTGCAGGTGGGGAAAATGGCGGTGTCTACA[G>A]TGTTCTCGACTTCGTCGCTGGTGAGGAGAGAGAACGTTCTAGCGTCCGGGGCGGGCGGCA-3'
Protein context (NP_060311.1, residues 1-16): MAVST[Val6Met]FSTSSLMLAL

ClinVar aggregate classification (germline): Uncertain significance (1 of 4 stars; one submission).

Conditions:
Hereditary cancer-predisposing syndrome. Also called: Tumor predisposition; Hereditary Cancer Syndrome; Hereditary neoplastic syndrome; Neoplastic Syndromes, Hereditary. Identifiers: Orphanet 140162, MedGen C0027672, MeSH D009386, MONDO:0015356.

gnomAD v4.1: 3 of 1,614,116 alleles (0.00019%); highest among the groups gnomAD compares: African/African-American, 0.0013%; no homozygotes.

Submission:

Ambry Genetics
Classification: Uncertain significance for Hereditary cancer-predisposing syndrome. Last evaluated: 2025-11-25. Review status: criteria provided, single submitter. Criteria: Ambry Variant Classification Scheme 2023. Collection method: clinical testing. Allele origin: germline.
Comment: The p.V6M variant (also known as c.16G>A), located in coding exon 1 of the SDHAF2 gene, results from a G to A substitution at nucleotide position 16. The valine at codon 6 is replaced by methionine, an amino acid with highly similar properties. This amino acid position is conserved. In addition, this alteration is predicted to be tolerated by in silico analysis. Based on the available evidence, the clinical significance of this variant remains unclear.